The following is an entry in ClinVar:

ClinVar aggregate classification (germline): Uncertain significance (1 of 4 stars; one submission).

Conditions:
Adams-Oliver syndrome 4 (AOS4). Identifiers: Orphanet 974, MedGen C3809092, MONDO:0014124, OMIM 615297.

Submission:

Labcorp Genetics (formerly Invitae), Labcorp
Classification: Uncertain significance for Adams-Oliver syndrome 4. Last evaluated: 2025-10-04. Review status: criteria provided, single submitter. Criteria: Invitae Variant Classification Sherloc (09022015). Collection method: clinical testing. Allele origin: germline.
Comment: This sequence change replaces aspartic acid, which is acidic and polar, with asparagine, which is neutral and polar, at codon 228 of the EOGT protein (p.Asp228Asn). This variant is present in population databases (rs757216620, gnomAD 0.01%). This variant has not been reported in the literature in individuals affected with EOGT-related conditions. Invitae Evidence Modeling of protein sequence and biophysical properties (such as structural, functional, and spatial information, amino acid conservation, physicochemical variation, residue mobility, and thermodynamic stability) indicates that this missense variant is expected to disrupt EOGT protein function with a positive predictive value of 80%. In summary, the available evidence is currently insufficient to determine the role of this variant in disease. Therefore, it has been classified as a Variant of Uncertain Significance.

NM_001278689.2(EOGT):c.682G>A (p.Asp228Asn)

Gene: EOGT (EGF domain specific O-linked N-acetylglucosamine transferase; minus strand). Cytogenetic location: 3p14.1.
Variant type: single nucleotide variant.
Coding change: c.682G>A on transcript NM_001278689.2 (MANE Select); coding-DNA position 682, G replaced by A.
Protein change: p.Asp228Asn; replaces aspartic acid 228 with asparagine.
Molecular consequence: missense variant.
Genome position (GRCh38, 1-based): chr3:69,001,653, C>T on the plus strand (G>A on the coding strand, the complement: EOGT is on the minus strand). VCF-style: chr3-69001653-C-T. GRCh37 (hg19) VCF-style: chr3-69050804-C-T.
Other names: c.682G>A, p.Asp228Asn (NM_173654.3); short protein forms D228N.
Identifiers: ClinVar variation 4805438 (VCV004805438.1).